The following is an entry in ClinVar:

ClinVar aggregate classification (germline): Uncertain significance (1 of 4 stars; one submission).

Allele frequency attached by ClinVar (database versions not stated): gnomAD exomes 0.00001.
gnomAD v4.1: 9 of 1,488,898 alleles (0.0006%); highest among the groups gnomAD compares: Non-Finnish European, 0.00075%; no homozygotes.

Submission:

Labcorp Genetics (formerly Invitae), Labcorp
Classification: Uncertain significance. Last evaluated: 2025-11-02. Review status: criteria provided, single submitter. Criteria: Invitae Variant Classification Sherloc (09022015). Collection method: clinical testing. Allele origin: germline.
Comment: This sequence change falls in intron 7 of the IL12RB2 gene. It does not directly change the encoded amino acid sequence of the IL12RB2 protein. It affects a nucleotide within the consensus splice site. This variant is present in population databases (no rsID available, gnomAD 0.0009%). This variant has not been reported in the literature in individuals affected with IL12RB2-related conditions. ClinVar contains an entry for this variant (Variation ID: 3017923). Variants that disrupt the consensus splice site are a relatively common cause of aberrant splicing (PMID: 17576681, 9536098). Algorithms developed to predict the effect of sequence changes on RNA splicing suggest that this variant is not likely to affect RNA splicing. In summary, the available evidence is currently insufficient to determine the role of this variant in disease. Therefore, it has been classified as a Variant of Uncertain Significance.

Literature cited by the submitters: PubMed 17576681; PubMed 9536098.

NM_001374259.2(IL12RB2):c.958+6T>C

Gene: IL12RB2 (interleukin 12 receptor subunit beta 2; plus strand). Cytogenetic location: 1p31.3.
Variant type: single nucleotide variant.
Coding change: c.958+6T>C on transcript NM_001374259.2 (MANE Select); 6 bases into the intron after coding-DNA position 958, T replaced by C.
Molecular consequence: intron variant.
Genome position (GRCh38, 1-based): chr1:67,330,816, T>C. VCF-style: chr1-67330816-T-C. GRCh37 (hg19) VCF-style: chr1-67796499-T-C.
Other names: c.958+6T>C (NM_001258214.1, NM_001319233.1, NM_001258216.1 and 2 more transcripts).
Identifiers: ClinVar variation 3017923 (VCV003017923.3), dbSNP rs1321440230, ClinGen allele CA523284610.
Genomic context (GRCh38, chr1:67,330,816, plus strand): 5'-AAGGGAAGTTGGAGTGATTGGAGTGAATCATTGAGAGCACAAACACCAGAAGAAGGTATA[T>C]GTCCAAAATATACATACCTATCGGGGAGCAATAAAGGGGAGAGAGGGGGGAAGATGTAAT-3'